The following is an entry in ClinVar:

NM_004360.5(CDH1):c.776del (p.Lys259fs)

Gene: CDH1 (cadherin 1; plus strand). Cytogenetic location: 16q22.1.
Variant type: Deletion.
Coding change: c.776del on transcript NM_004360.5 (MANE Select); coding-DNA position 776, one base deleted (A; older notation c.776delA).
Protein change: p.Lys259fs; shifts the reading frame from lysine 259.
Molecular consequence: frameshift variant. On other transcripts: 5 prime UTR variant (2).
Genome position (GRCh38, 1-based): chr16:68,810,285, A deleted; the last of 2 consecutive A bases (chr16:68,810,284-68,810,285); deleting either gives the same sequence. VCF-style (leftmost placement, unchanged base first): chr16-68810283-CA-C. GRCh37 (hg19) VCF-style: chr16-68844186-CA-C.
Other names: c.776del, p.Lys259fs (NM_001317184.2); c.-840del (NM_001317185.2); c.-1044del (NM_001317186.2); short protein forms K259fs.
Identifiers: ClinVar variation 2007943 (VCV002007943.4), dbSNP rs2543919134, ClinGen allele CA2580091957.

ClinVar aggregate classification (germline): Pathogenic (1 of 4 stars; one submission).

Conditions:
Hereditary diffuse gastric adenocarcinoma (HDGC). Also called: DIFFUSE GASTRIC AND LOBULAR BREAST CANCER SYNDROME. Identifiers: Orphanet 26106, MedGen C1708349, MONDO:0007648, OMIM 137215.

Submission:

Labcorp Genetics (formerly Invitae), Labcorp
Classification: Pathogenic for Hereditary diffuse gastric adenocarcinoma. Last evaluated: 2022-06-18. Review status: criteria provided, single submitter. Criteria: Invitae Variant Classification Sherloc (09022015). Collection method: clinical testing. Allele origin: germline.
Comment: For these reasons, this variant has been classified as Pathogenic. Algorithms developed to predict the effect of sequence changes on RNA splicing suggest that this variant may create or strengthen a splice site. This variant has not been reported in the literature in individuals affected with CDH1-related conditions. This variant is not present in population databases (gnomAD no frequency). This sequence change creates a premature translational stop signal (p.Lys259Serfs*23) in the CDH1 gene. It is expected to result in an absent or disrupted protein product. Loss-of-function variants in CDH1 are known to be pathogenic (PMID: 15235021, 20373070).

Literature cited by the submitters: PubMed 15235021; PubMed 20373070.